The following is an entry in ClinVar:

ClinVar aggregate classification (germline): Uncertain significance. Review status: criteria provided, multiple submitters, no conflicts (2 of 4 stars). 2 submissions from 2 submitters: Uncertain significance (2). Last evaluated 2024-05-04.

Conditions:
Fanconi anemia complementation group P. Also called: SLX4-Related Fanconi Anemia. Identifiers: Orphanet 84, MedGen C3469542, MONDO:0013499, OMIM 613951.
Fanconi anemia (FA). Also called: Fanconi's anemia. Identifiers: Orphanet 84, MedGen C0015625, MeSH D005199, MONDO:0019391.

Submissions (2):

Fulgent Genetics
Classification: Uncertain significance for Fanconi anemia complementation group P. Last evaluated: 2024-05-04. Review status: criteria provided, single submitter. Criteria: ACMG Guidelines, 2015. Collection method: clinical testing. Allele origin: germline.

Labcorp Genetics (formerly Invitae), Labcorp
Classification: Uncertain significance for Fanconi anemia. Last evaluated: 2024-01-19. Review status: criteria provided, single submitter. Criteria: Invitae Variant Classification Sherloc (09022015). Collection method: clinical testing. Allele origin: germline.
Comment: This sequence change replaces threonine, which is neutral and polar, with lysine, which is basic and polar, at codon 500 of the SLX4 protein (p.Thr500Lys). This variant is not present in population databases (gnomAD no frequency). This variant has not been reported in the literature in individuals affected with SLX4-related conditions. An algorithm developed to predict the effect of missense changes on protein structure and function (PolyPhen-2) suggests that this variant is likely to be disruptive. In summary, the available evidence is currently insufficient to determine the role of this variant in disease. Therefore, it has been classified as a Variant of Uncertain Significance.

NM_032444.4(SLX4):c.1499C>A (p.Thr500Lys)

Gene: SLX4 (SLX4 structure-specific endonuclease subunit; minus strand). Cytogenetic location: 16p13.3.
Variant type: single nucleotide variant.
Coding change: c.1499C>A on transcript NM_032444.4 (MANE Select); coding-DNA position 1499, C replaced by A.
Protein change: p.Thr500Lys; replaces threonine 500 with lysine.
Molecular consequence: missense variant.
Genome position (GRCh38, 1-based): chr16:3,597,563, G>T on the plus strand (C>A on the coding strand, the complement: SLX4 is on the minus strand). VCF-style: chr16-3597563-G-T. GRCh37 (hg19) VCF-style: chr16-3647564-G-T.
Other names: short protein forms T500K.
Identifiers: ClinVar variation 2785046 (VCV002785046.4), dbSNP rs377440877, ClinGen allele CA394528942.